The following is an entry in ClinVar:

NM_138691.3(TMC1):c.2260G>A (p.Ala754Thr)

Gene: TMC1 (transmembrane channel like 1; plus strand). Cytogenetic location: 9q21.13.
Variant type: single nucleotide variant.
Coding change: c.2260G>A on transcript NM_138691.3 (MANE Select); coding-DNA position 2260, G replaced by A.
Protein change: p.Ala754Thr; replaces alanine 754 with threonine.
Molecular consequence: missense variant.
Genome position (GRCh38, 1-based): chr9:72,830,682, G>A. VCF-style: chr9-72830682-G-A. GRCh37 (hg19) VCF-style: chr9-75445598-G-A.
Other names: short protein forms A754T.
Identifiers: ClinVar variation 5020061 (VCV005020061.1).

ClinVar aggregate classification (germline): Likely pathogenic (1 of 4 stars; one submission).

Conditions:
Autosomal recessive nonsyndromic hearing loss 7. Also called: DEAFNESS, AUTOSOMAL RECESSIVE 11. Identifiers: Orphanet 90636, MedGen C1832978, MONDO:0010967, OMIM 600974.

Submission:

Institute of Rare Diseases, West China Hospital, Sichuan University
Classification: Likely pathogenic for Autosomal recessive nonsyndromic hearing loss 7. Last evaluated: 2026-10-13. Review status: criteria provided, single submitter. Criteria: ClinGen HL ACMG Specifications v1. Collection method: research. Allele origin: germline. Affected: yes.
Comment: This exonic variant causes exon 23 skipping validated by minigene splicing assay (PS3). It is extremely rare in general‑population databases (PM2_Supporting). Identified in trans with another TMC1 pathogenic variant in affected proband(PM3). In‑silico prediction supports splicing disruption (PP3). ACMG classification: Likely pathogenic(PS3,PM2_Supporting,PM3,PP3).